The following is an entry in ClinVar:

ClinVar aggregate classification (germline): Uncertain significance. Review status: criteria provided, multiple submitters, no conflicts (2 of 4 stars). 2 submissions from 2 submitters: Uncertain significance (2). Last evaluated 2025-07-31.

Conditions:
Hereditary cancer-predisposing syndrome. Also called: Tumor predisposition; Neoplastic Syndromes, Hereditary; Hereditary neoplastic syndrome; Hereditary Cancer Syndrome. Identifiers: Orphanet 140162, MedGen C0027672, MeSH D009386, MONDO:0015356.

Allele frequency attached by ClinVar (database versions not stated): TOPMed below 0.00001.

Submissions (2):

Labcorp Genetics (formerly Invitae), Labcorp
Classification: Uncertain significance. Last evaluated: 2025-07-31. Review status: criteria provided, single submitter. Criteria: Invitae Variant Classification Sherloc (09022015). Collection method: clinical testing. Allele origin: germline.
Comment: This sequence change replaces glutamine, which is neutral and polar, with glutamic acid, which is acidic and polar, at codon 95 of the NTHL1 protein (p.Gln95Glu). This variant is not present in population databases (gnomAD no frequency). This variant has not been reported in the literature in individuals affected with NTHL1-related conditions. ClinVar contains an entry for this variant (Variation ID: 1020051). An algorithm developed to predict the effect of missense changes on protein structure and function (PolyPhen-2) suggests that this variant is likely to be tolerated. In summary, the available evidence is currently insufficient to determine the role of this variant in disease. Therefore, it has been classified as a Variant of Uncertain Significance.

Ambry Genetics
Classification: Uncertain significance for Hereditary cancer-predisposing syndrome. Last evaluated: 2025-07-15. Review status: criteria provided, single submitter. Criteria: Ambry Variant Classification Scheme 2023. Collection method: clinical testing. Allele origin: germline.

NM_002528.7(NTHL1):c.259C>G (p.Gln87Glu)

Gene: NTHL1 (nth like DNA glycosylase 1; minus strand). Cytogenetic location: 16p13.3.
Variant type: single nucleotide variant.
Coding change: c.259C>G on transcript NM_002528.7 (MANE Select); coding-DNA position 259, C replaced by G.
Protein change: p.Gln87Glu; replaces glutamine 87 with glutamic acid.
Molecular consequence: missense variant. On other transcripts: intron variant (1).
Genome position (GRCh38, 1-based): chr16:2,046,223, G>C on the plus strand (C>G on the coding strand, the complement: NTHL1 is on the minus strand). VCF-style: chr16-2046223-G-C. GRCh37 (hg19) VCF-style: chr16-2096224-G-C.
Other names: c.259C>G, p.Gln87Glu (NM_001318193.2); c.24+57C>G (NM_001318194.2); short protein forms Q87E.
Identifiers: ClinVar variation 1020051 (VCV001020051.10), dbSNP rs201671098, ClinGen allele CA394297061.